The following is an entry in ClinVar:

ClinVar aggregate classification (germline): Uncertain significance (1 of 4 stars; one submission).

Submission:

GeneDx
Classification: Uncertain significance. Last evaluated: 2019-10-02. Review status: criteria provided, single submitter. Criteria: GeneDx Variant Classification Process June 2021. Collection method: clinical testing. Allele origin: germline. Affected: yes.
Comment: Not observed in large population cohorts (Lek et al., 2016); In silico analysis, which includes protein predictors and evolutionary conservation, supports a deleterious effect; Has not been previously published as pathogenic or benign to our knowledge

NM_001353921.2(ARHGEF9):c.758T>C (p.Ile253Thr)

Gene: ARHGEF9 (Cdc42 guanine nucleotide exchange factor 9; minus strand). Cytogenetic location: Xq11.1.
Variant type: single nucleotide variant.
Coding change: c.758T>C on transcript NM_001353921.2 (MANE Select); coding-DNA position 758, T replaced by C.
Protein change: p.Ile253Thr; replaces isoleucine 253 with threonine.
Molecular consequence: missense variant.
Genome position (GRCh38, 1-based): chrX:63,678,397, A>G on the plus strand (T>C on the coding strand, the complement: ARHGEF9 is on the minus strand). VCF-style: chrX-63678397-A-G. GRCh37 (hg19) VCF-style: chrX-62898277-A-G.
Other names: c.578T>C, p.Ile193Thr (NM_001173479.2); c.431T>C, p.Ile144Thr (NM_001173480.2, NM_001369042.1); c.674T>C, p.Ile225Thr (NM_001330495.2, NM_001353927.2, NM_001369033.1 and 8 more transcripts); c.758T>C, p.Ile253Thr (NM_001353922.2); c.776T>C, p.Ile259Thr (NM_001353923.1); c.557T>C, p.Ile186Thr (NM_001353924.2, NM_001353926.2, NM_001369039.1 and 1 more transcripts); c.737T>C, p.Ile246Thr (NM_001353928.2, NM_001369030.1, NM_001369031.1 and 2 more transcripts); c.323T>C, p.Ile108Thr (NM_001369045.1); short protein forms I108T, I144T, I186T, I193T, I225T, I246T, I253T, I259T.
Identifiers: ClinVar variation 1308914 (VCV001308914.2), dbSNP rs2147333974, ClinGen allele CA413406351.
Genomic context (GRCh38, chrX:63,678,397, plus strand): 5'-TACCTGTGGTCTTGGGCAGTATACTTTAGGAGCTCAGCCAACTGTAAGGGATACTTGCAG[A>G]TCTTCTGCACTGGAGTCAAAAGGAAACCATCGATAGCAATGTCAATCATCTGCTGCAAGA-3'
Protein context (NP_001340850.1, residues 243-263): DGFLLTPVQK[Ile253Thr]CKYPLQLAEL